The following is an entry in ClinVar:

NM_001451.3(FOXF1):c.1085G>C (p.Gly362Ala)

Gene: FOXF1 (forkhead box F1; plus strand). Cytogenetic location: 16q24.1.
Variant type: single nucleotide variant.
Coding change: c.1085G>C on transcript NM_001451.3 (MANE Select); coding-DNA position 1085, G replaced by C.
Protein change: p.Gly362Ala; replaces glycine 362 with alanine.
Molecular consequence: missense variant.
Genome position (GRCh38, 1-based): chr16:86,513,030, G>C. VCF-style: chr16-86513030-G-C. GRCh37 (hg19) VCF-style: chr16-86546636-G-C.
Other names: short protein forms G362A.
Identifiers: ClinVar variation 1953554 (VCV001953554.5), dbSNP rs1241736630, ClinGen allele CA397010547.

ClinVar aggregate classification (germline): Uncertain significance (1 of 4 stars; one submission).

Allele frequency attached by ClinVar (database versions not stated): TOPMed below 0.00001; gnomAD 0.00001.

Submission:

Labcorp Genetics (formerly Invitae), Labcorp
Classification: Uncertain significance. Last evaluated: 2022-07-27. Review status: criteria provided, single submitter. Criteria: Invitae Variant Classification Sherloc (09022015). Collection method: clinical testing. Allele origin: germline.
Comment: This sequence change replaces glycine, which is neutral and non-polar, with alanine, which is neutral and non-polar, at codon 362 of the FOXF1 protein (p.Gly362Ala). This variant is present in population databases (no rsID available, gnomAD 0.007%). This variant has not been reported in the literature in individuals affected with FOXF1-related conditions. Algorithms developed to predict the effect of missense changes on protein structure and function are either unavailable or do not agree on the potential impact of this missense change (SIFT: "Deleterious"; PolyPhen-2: "Benign"; Align-GVGD: "Class C0"). In summary, the available evidence is currently insufficient to determine the role of this variant in disease. Therefore, it has been classified as a Variant of Uncertain Significance.